The following is an entry in ClinVar:

NM_000400.4(ERCC2):c.1707del (p.Ile569fs)

Gene: ERCC2 (ERCC excision repair 2, TFIIH core complex helicase subunit; minus strand). Cytogenetic location: 19q13.32.
Variant type: Deletion.
Coding change: c.1707del on transcript NM_000400.4 (MANE Select); coding-DNA position 1707, one base deleted (T; older notation c.1707delT).
Protein change: p.Ile569fs; shifts the reading frame from isoleucine 569.
Molecular consequence: frameshift variant.
Genome position (GRCh38, 1-based): chr19:45,353,293, A deleted on the plus strand (T on the coding strand, the reverse complement: ERCC2 is on the minus strand); the first of 2 consecutive A bases (chr19:45,353,293-45,353,294); deleting either gives the same sequence. VCF-style (leftmost placement, unchanged base first): chr19-45353292-CA-C. GRCh37 (hg19) VCF-style: chr19-45856550-CA-C.
Other names: short protein forms I569fs.
Identifiers: ClinVar variation 1013170 (VCV001013170.41), dbSNP rs767672172, ClinGen allele CA9513137.

ClinVar aggregate classification (germline): Pathogenic/Likely pathogenic. Review status: criteria provided, multiple submitters, no conflicts (2 of 4 stars). 2 submissions from 2 submitters: Pathogenic (1); Likely pathogenic (1). Last evaluated 2025-12-20.

Submissions (2):

Labcorp Genetics (formerly Invitae), Labcorp
Classification: Pathogenic. Last evaluated: 2025-12-20. Review status: criteria provided, single submitter. Criteria: Invitae Variant Classification Sherloc (09022015). Collection method: clinical testing. Allele origin: germline.
Comment: This sequence change creates a premature translational stop signal (p.Ile569Metfs*140) in the ERCC2 gene. It is expected to result in an absent or disrupted protein product. Loss-of-function variants in ERCC2 are known to be pathogenic (PMID: 9238033, 11335038, 19085937, 19934020). This variant is present in population databases (rs767672172, gnomAD 0.002%). This variant has not been reported in the literature in individuals affected with ERCC2-related conditions. ClinVar contains an entry for this variant (Variation ID: 1013170). For these reasons, this variant has been classified as Pathogenic.

CeGaT Center for Human Genetics Tuebingen
Classification: Likely pathogenic. Last evaluated: 2020-09-01. Review status: criteria provided, single submitter. Criteria: CeGaT Center For Human Genetics Tuebingen Variant Classification Criteria Version 2. Collection method: clinical testing. Allele origin: germline. Affected: yes. Observed: 1 variant allele.

Literature cited by the submitters: PubMed 9238033 (cited by Labcorp Genetics (formerly Invitae), Labcorp); PubMed 11335038 (cited by Labcorp Genetics (formerly Invitae), Labcorp); PubMed 19085937 (cited by Labcorp Genetics (formerly Invitae), Labcorp); PubMed 19934020 (cited by Labcorp Genetics (formerly Invitae), Labcorp).